The following is an entry in ClinVar:

ClinVar aggregate classification (germline): Uncertain significance (1 of 4 stars; one submission).

Allele frequency attached by ClinVar (database versions not stated): gnomAD 0.00001; gnomAD exomes 0.00001.
gnomAD v4.1: 12 of 1,613,876 alleles (0.00074%); highest among the groups gnomAD compares: East Asian, 0.027%; no homozygotes.

Submission:

Labcorp Genetics (formerly Invitae), Labcorp
Classification: Uncertain significance. Last evaluated: 2022-10-17. Review status: criteria provided, single submitter. Criteria: Invitae Variant Classification Sherloc (09022015). Collection method: clinical testing. Allele origin: germline.
Comment: In summary, the available evidence is currently insufficient to determine the role of this variant in disease. Therefore, it has been classified as a Variant of Uncertain Significance. Algorithms developed to predict the effect of missense changes on protein structure and function are either unavailable or do not agree on the potential impact of this missense change (SIFT: "Deleterious"; PolyPhen-2: "Benign"; Align-GVGD: "Class C0"). This variant has not been reported in the literature in individuals affected with HMCN1-related conditions. This variant is present in population databases (no rsID available, gnomAD 0.006%). This sequence change replaces alanine, which is neutral and non-polar, with glycine, which is neutral and non-polar, at codon 4143 of the HMCN1 protein (p.Ala4143Gly).

NM_031935.3(HMCN1):c.12428C>G (p.Ala4143Gly)

Gene: HMCN1 (hemicentin 1; plus strand). Cytogenetic location: 1q31.1.
Variant type: single nucleotide variant.
Coding change: c.12428C>G on transcript NM_031935.3 (MANE Select); coding-DNA position 12428, C replaced by G.
Protein change: p.Ala4143Gly; replaces alanine 4143 with glycine.
Molecular consequence: missense variant.
Genome position (GRCh38, 1-based): chr1:186,123,149, C>G. VCF-style: chr1-186123149-C-G. GRCh37 (hg19) VCF-style: chr1-186092281-C-G.
Other names: short protein forms A4143G.
Identifiers: ClinVar variation 2108333 (VCV002108333.4), dbSNP rs1303909899, ClinGen allele CA343903245.